The following is an entry in ClinVar:

NM_032043.3(BRIP1):c.788T>C (p.Leu263Pro)

Gene: BRIP1 (BRCA1 interacting DNA helicase 1; minus strand). Cytogenetic location: 17q23.2.
Variant type: single nucleotide variant.
Coding change: c.788T>C on transcript NM_032043.3 (MANE Select); coding-DNA position 788, T replaced by C.
Protein change: p.Leu263Pro; replaces leucine 263 with proline.
Molecular consequence: missense variant.
Genome position (GRCh38, 1-based): chr17:61,808,597, A>G on the plus strand (T>C on the coding strand, the complement: BRIP1 is on the minus strand). VCF-style: chr17-61808597-A-G. GRCh37 (hg19) VCF-style: chr17-59885958-A-G.
Other names: short protein forms L263P.
Identifiers: ClinVar variation 2947088 (VCV002947088.3), dbSNP rs2145416654, ClinGen allele CA400484906.

ClinVar aggregate classification (germline): Uncertain significance (1 of 4 stars; one submission).

Conditions:
Fanconi anemia complementation group J. Also called: BRIP1-Related Fanconi Anemia. Identifiers: Orphanet 84, MedGen C1836860, MONDO:0012187, OMIM 609054.
Familial cancer of breast. Also called: BREAST CANCER, FAMILIAL; Hereditary breast cancer; hereditary breast carcinoma. Identifiers: Orphanet 227535, MedGen C0346153, MONDO:0016419, OMIM 114480. Disease mechanism: loss of function.

Submission:

Labcorp Genetics (formerly Invitae), Labcorp
Classification: Uncertain significance for Familial cancer of breast; Fanconi anemia complementation group J. Last evaluated: 2023-04-25. Review status: criteria provided, single submitter. Criteria: Invitae Variant Classification Sherloc (09022015). Collection method: clinical testing. Allele origin: germline.
Comment: In summary, the available evidence is currently insufficient to determine the role of this variant in disease. Therefore, it has been classified as a Variant of Uncertain Significance. Advanced modeling of protein sequence and biophysical properties (such as structural, functional, and spatial information, amino acid conservation, physicochemical variation, residue mobility, and thermodynamic stability) performed at Invitae indicates that this missense variant is not expected to disrupt BRIP1 protein function. This variant has not been reported in the literature in individuals affected with BRIP1-related conditions. This variant is not present in population databases (gnomAD no frequency). This sequence change replaces leucine, which is neutral and non-polar, with proline, which is neutral and non-polar, at codon 263 of the BRIP1 protein (p.Leu263Pro).